The following is an entry in ClinVar:

NM_000264.5(PTCH1):c.2479A>G (p.Ser827Gly)

Genes: PTCH1 (patched 1; minus strand), LOC100507346 (uncharacterized LOC100507346; plus strand). Cytogenetic location: 9q22.32.
Variant type: single nucleotide variant.
Coding change: c.2479A>G on transcript NM_000264.5 (MANE Select); coding-DNA position 2479, A replaced by G.
Protein change: p.Ser827Gly; replaces serine 827 with glycine.
Molecular consequence: missense variant. On other transcripts: non-coding transcript variant (2).
Genome position (GRCh38, 1-based): chr9:95,467,197, T>C on the plus strand (A>G on the coding strand, the complement: PTCH1 is on the minus strand). VCF-style: chr9-95467197-T-C. GRCh37 (hg19) VCF-style: chr9-98229479-T-C.
Other names: c.2281A>G, p.Ser761Gly (NM_001083602.3); c.2476A>G, p.Ser826Gly (NM_001083603.3); c.2026A>G, p.Ser676Gly (NM_001083604.3, NM_001083605.3, NM_001083606.3 and 1 more transcripts); c.2323A>G, p.Ser775Gly (NM_001354918.2); short protein forms S827G, S761G, S775G, S826G, S676G.
Identifiers: ClinVar variation 8223 (VCV000008223.28), dbSNP rs199476092, ClinGen allele CA161671.

ClinVar aggregate classification (germline): Benign/Likely benign. Review status: criteria provided, multiple submitters, no conflicts (2 of 4 stars). 12 submissions from 12 submitters: Benign (6); Likely benign (2). 4 of the submissions do not count toward it. Last evaluated 2026-02-04.

Conditions:
Holoprosencephaly 7 (HPE7). Identifiers: Orphanet 2162, MedGen C1835820, MONDO:0012562, OMIM 610828.
PTCH1-related disorder. Also called: PTCH1-related disorders; PTCH1-related condition.
Hereditary cancer-predisposing syndrome. Also called: Tumor predisposition; Neoplastic Syndromes, Hereditary; Hereditary neoplastic syndrome; Hereditary Cancer Syndrome. Identifiers: Orphanet 140162, MedGen C0027672, MeSH D009386, MONDO:0015356.
Gorlin syndrome. Also called: Nevoid Basal Cell Carcinoma Syndrome; Basal cell nevus syndrome. Identifiers: Orphanet 377, MedGen C0004779, MONDO:0007187.

Allele frequency attached by ClinVar (database versions not stated): gnomAD exomes 0.00023 and 0.00099; gnomAD 0.00036 and 0.00047; TOPMed 0.00048; ExAC 0.00078; 1000 Genomes Project 30x 0.00219; 1000 Genomes Project 0.00240.
gnomAD v4.1: 417 of 1,614,258 alleles (0.026%); highest among the groups gnomAD compares: East Asian, 0.82%; 3 homozygotes.

Submissions (13):

Labcorp Genetics (formerly Invitae), Labcorp
Classification: Benign for Gorlin syndrome. Last evaluated: 2026-02-04. Review status: criteria provided, single submitter. Criteria: Invitae Variant Classification Sherloc (09022015). Collection method: clinical testing. Allele origin: germline.

Center for Genomic Medicine, Rigshospitalet, Copenhagen University Hospital
Classification: Likely benign. Last evaluated: 2025-12-29. Review status: criteria provided, single submitter. Criteria: ACMG Guidelines, 2015. Collection method: clinical testing. Allele origin: germline.

Quest Diagnostics Nichols Institute San Juan Capistrano
Classification: Benign. Last evaluated: 2025-09-02. Review status: criteria provided, single submitter. Criteria: Quest Diagnostics criteria. Collection method: clinical testing. Allele origin: unknown.

ARUP Laboratories, Molecular Genetics and Genomics, ARUP Laboratories
Classification: Benign. Last evaluated: 2025-05-28. Review status: criteria provided, single submitter. Criteria: ARUP Molecular Germline Variant Investigation Process 2024. Collection method: clinical testing. Allele origin: germline.

Blueprint Genetics
Classification: Likely benign. Last evaluated: 2024-02-12. Review status: criteria provided, single submitter. Criteria: ACMG Guidelines, 2015. Collection method: clinical testing. Allele origin: germline.

Sema4
Classification: Benign for Hereditary cancer-predisposing syndrome. Last evaluated: 2020-04-28. Review status: criteria provided, single submitter. Criteria: Sema4 Curation Guidelines. Collection method: curation. Allele origin: germline.

GeneDx
Classification: Benign. Last evaluated: 2020-04-13. Review status: criteria provided, single submitter. Criteria: GeneDx Variant Classification Process June 2021. Collection method: clinical testing. Allele origin: germline. Affected: yes.
Comment: This variant is associated with the following publications: (PMID: 31180159, 22995991, 24204797, 22313357, 22703879, 11941477, 24728327)

Ambry Genetics
Classification: Benign for Hereditary cancer-predisposing syndrome. Last evaluated: 2016-11-01. Review status: criteria provided, single submitter. Criteria: Ambry Variant Classification Scheme 2023. Collection method: clinical testing. Allele origin: germline.

PreventionGenetics, part of Exact Sciences
Classification: Benign for PTCH1-related condition. Last evaluated: 2020-01-21. Review status: no assertion criteria provided. Collection method: clinical testing. Allele origin: germline. Not counted in ClinVar's aggregate classification.
Comment: This variant is classified as benign based on ACMG/AMP sequence variant interpretation guidelines (Richards et al. 2015 PMID: 25741868, with internal and published modifications).

ITMI
No classification provided. Condition: AllHighlyPenetrant. Last evaluated: 2013-09-19. Review status: no classification provided. Collection method: reference population. Allele origin: germline. Not counted in ClinVar's aggregate classification.
Comment: Please see associated publication for description of ethnicities

Biesecker Lab/Clinical Genomics Section, National Institutes of Health
Classification: Uncertain significance. Last evaluated: 2012-07-13. Review status: no assertion criteria provided. Collection method: research. Allele origin: germline. Affected: no. Observed: 1 variant allele. Study: ClinSeq. Not counted in ClinVar's aggregate classification.
ClinVar note: Converted during submission from variant of unknown significance to Uncertain significance.

OMIM
Classification: Pathogenic for HOLOPROSENCEPHALY 7. Last evaluated: 2002-04-01. Review status: no assertion criteria provided. Collection method: literature only. Allele origin: germline. Not counted in ClinVar's aggregate classification.

Dr. Peter K. Rogan Lab, Western University
No classification provided (evidence only). Condition: Hepatocellular carcinoma. Review status: no classification provided. Collection method: in vitro. Allele origin: not applicable. Functional consequence: retained intron. Not counted in ClinVar's aggregate classification.

Literature cited by the submitters: PubMed 31180159 (cited by Center for Genomic Medicine, Rigshospitalet, Copenhagen University Hospital and Quest Diagnostics Nichols Institute San Juan Capistrano); PubMed 32906206 (cited by Quest Diagnostics Nichols Institute San Juan Capistrano); PubMed 11941477 (cited by 3 submitters); PubMed 22313357 (cited by Quest Diagnostics Nichols Institute San Juan Capistrano and Ambry Genetics); PubMed 24204797 (cited by Quest Diagnostics Nichols Institute San Juan Capistrano and Ambry Genetics); PubMed 22995991 (cited by Quest Diagnostics Nichols Institute San Juan Capistrano and Ambry Genetics); PubMed 24728327 (cited by Quest Diagnostics Nichols Institute San Juan Capistrano and ITMI).